The following is an entry in ClinVar:

NM_025219.3(DNAJC5):c.*3204C>T

Gene: DNAJC5 (DnaJ heat shock protein family (Hsp40) member C5; plus strand). Cytogenetic location: 20q13.33.
Variant type: single nucleotide variant.
Coding change: c.*3204C>T on transcript NM_025219.3 (MANE Select); 3204 bases downstream of the stop codon, C replaced by T.
Molecular consequence: 3 prime UTR variant.
Genome position (GRCh38, 1-based): chr20:63,934,772, C>T. VCF-style: chr20-63934772-C-T. GRCh37 (hg19) VCF-style: chr20-62566125-C-T.
Identifiers: ClinVar variation 339421 (VCV000339421.7), dbSNP rs140377993, ClinGen allele CA10644415.

ClinVar aggregate classification (germline): Benign/Likely benign. Review status: criteria provided, multiple submitters, no conflicts (2 of 4 stars). 2 submissions from 2 submitters: Benign (1); Likely benign (1). Last evaluated 2018-01-13.

Conditions:
Ceroid lipofuscinosis, neuronal, 4 (Kufs type) (CLN4). Also called: Neuronal ceroid lipofuscinosis 4B; Ceroid lipofuscinosis, neuronal, 4, Parry type. Identifiers: Orphanet 228343, Orphanet 79262, MedGen C1834207, MONDO:0008083, OMIM 162350.

Allele frequency attached by ClinVar (database versions not stated): 1000 Genomes Project 0.00180; 1000 Genomes Project 30x 0.00187; gnomAD 0.00248 and 0.00256; TOPMed 0.00249.

Submissions (2):

Illumina Laboratory Services, Illumina
Classification: Benign for Ceroid lipofuscinosis, neuronal, 4 (Kufs type). Last evaluated: 2018-01-13. Review status: criteria provided, single submitter. Criteria: ICSL Variant Classification Criteria 13 December 2019. Collection method: clinical testing. Allele origin: germline.
Comment: This variant was observed in the ICSL laboratory as part of a predisposition screen in an ostensibly healthy population. It had not been previously curated by ICSL or reported in the Human Gene Mutation Database (HGMD: prior to June 1st, 2018), and was therefore a candidate for classification through an automated scoring system. Utilizing variant allele frequency, disease prevalence and penetrance estimates, and inheritance mode, an automated score was calculated to assess if this variant is too frequent to cause the disease. Based on the score and internal cut-off values, a variant classified as benign is not then subjected to further curation. The score for this variant resulted in a classification of benign for this disease.

Breakthrough Genomics
Classification: Likely benign. Review status: criteria provided, single submitter. Criteria: ACMG Guidelines, 2015. Collection method: not provided. Allele origin: germline. Inheritance: Autosomal dominant inheritance. Affected: yes.